The following is an entry in ClinVar:

NM_024675.4(PALB2):c.3350+1G>C

Gene: PALB2 (partner and localizer of BRCA2; minus strand). Cytogenetic location: 16p12.2.
Variant type: single nucleotide variant.
Coding change: c.3350+1G>C on transcript NM_024675.4 (MANE Select); the canonical splice donor site of the intron after coding-DNA position 3350, G replaced by C.
Molecular consequence: splice donor variant. On other transcripts: intron variant (8).
Genome position (GRCh38, 1-based): chr16:23,607,863, C>G on the plus strand (G>C on the coding strand, the complement: PALB2 is on the minus strand). VCF-style: chr16-23607863-C-G. GRCh37 (hg19) VCF-style: chr16-23619184-C-G.
Other names: c.2229-4194G>C (NM_001407308.1, NM_001407309.1); c.2465+1G>C (NM_001407306.1, NM_001407305.1, NM_001407304.1); c.884+1G>C (NM_001407314.1); c.1414-4194G>C (NM_001407313.1); c.1562+1G>C (NM_001407312.1); c.3290+1G>C (NM_001407296.1); c.3278+1G>C (NM_001407297.1); c.3040-4194G>C (NM_001407302.1); and 6 more.
Identifiers: ClinVar variation 3337433 (VCV003337433.2).
Genomic context (GRCh38, chr16:23,607,863, plus strand): 5'-TGTGTTTGCACAGTGCCTTTCAGAATGTCCCACCCATAGAGTAGCAGTTATGCACACTTG[C>G]CTGCCAGCCTGCCCTGGAGGAAGACAGTACAGCATCACACCCACGCTGAGAGTCGTCTTA-3'

ClinVar aggregate classification (germline): Likely pathogenic. Review status: criteria provided, multiple submitters, no conflicts (2 of 4 stars). 2 submissions from 2 submitters: Likely pathogenic (2). Last evaluated 2024-12-13.

Conditions:
Familial cancer of breast. Also called: BREAST CANCER, FAMILIAL; hereditary breast carcinoma; Hereditary breast cancer. Identifiers: Orphanet 227535, MedGen C0346153, MONDO:0016419, OMIM 114480. Disease mechanism: loss of function.

Submissions (2):

Myriad Genetics, Inc.
Classification: Likely pathogenic for Familial cancer of breast. Last evaluated: 2024-12-13. Review status: criteria provided, single submitter. Criteria: Myriad Autosomal Dominant, Autosomal Recessive and X-Linked Classification Criteria (2023). Collection method: clinical testing. Allele origin: unknown.
Comment: This variant is considered likely pathogenic. This variant occurs within a consensus splice junction and is predicted to result in abnormal mRNA splicing of either an out-of-frame exon or an in-frame exon necessary for protein stability and/or normal function.

Clinical Genetics Laboratory, Skane University Hospital Lund
Classification: Likely pathogenic. Last evaluated: 2023-01-09. Review status: criteria provided, single submitter. Criteria: ACMG Guidelines, 2015. Collection method: clinical testing. Allele origin: germline. Affected: yes.